The following is an entry in ClinVar:

NM_001103.4(ACTN2):c.1101G>A (p.Met367Ile)

Gene: ACTN2 (actinin alpha 2; plus strand). Cytogenetic location: 1q43.
Variant type: single nucleotide variant.
Coding change: c.1101G>A on transcript NM_001103.4 (MANE Select); coding-DNA position 1101, G replaced by A.
Protein change: p.Met367Ile; replaces methionine 367 with isoleucine.
Molecular consequence: missense variant. On other transcripts: non-coding transcript variant (1).
Genome position (GRCh38, 1-based): chr1:236,739,526, G>A. VCF-style: chr1-236739526-G-A. GRCh37 (hg19) VCF-style: chr1-236902826-G-A.
Other names: c.1101G>A, p.Met367Ile (NM_001278343.2); short protein forms M367I.
Identifiers: ClinVar variation 3264360 (VCV003264360.1).
Genomic context (GRCh38, chr1:236,739,526, plus strand): 5'-GCTGCAGACCAAGCTGCGGATCAGCAACCGTCCTGCCTTCATGCCCTCCGAGGGCAAGAT[G>A]GTGTCGGTGAGTAGCAAGCGCCAAGCCCTCCTGGCGCCACGGGAAGCCCTCCTTCTAGCC-3'
Protein context (NP_001094.1, residues 357-377): RPAFMPSEGK[Met367Ile]VSDIAGAWQR

ClinVar aggregate classification (germline): Uncertain significance (1 of 4 stars; one submission).

Conditions:
Cardiovascular phenotype. Identifiers: MedGen CN230736.

Submission:

Ambry Genetics
Classification: Uncertain significance for Cardiovascular phenotype. Last evaluated: 2024-06-14. Review status: criteria provided, single submitter. Criteria: Ambry Variant Classification Scheme 2023. Collection method: clinical testing. Allele origin: germline.
Comment: The p.M367I variant (also known as c.1101G>A), located in coding exon 10 of the ACTN2 gene, results from a G to A substitution at nucleotide position 1101. The methionine at codon 367 is replaced by isoleucine, an amino acid with highly similar properties. This amino acid position is conserved. In addition, the in silico prediction for this alteration is inconclusive. Based on the available evidence, the clinical significance of this variant remains unclear.